The following is an entry in ClinVar:

NM_006073.4(TRDN):c.1157C>A (p.Pro386His)

Gene: TRDN (triadin; minus strand). Cytogenetic location: 6q22.31.
Variant type: single nucleotide variant.
Coding change: c.1157C>A on transcript NM_006073.4 (MANE Select); coding-DNA position 1157, C replaced by A.
Protein change: p.Pro386His; replaces proline 386 with histidine.
Molecular consequence: missense variant.
Genome position (GRCh38, 1-based): chr6:123,382,126, G>T on the plus strand (C>A on the coding strand, the complement: TRDN is on the minus strand). VCF-style: chr6-123382126-G-T. GRCh37 (hg19) VCF-style: chr6-123703271-G-T.
Other names: c.1160C>A, p.Pro387His (NM_001251987.2); c.1100C>A, p.Pro367His (NM_001407315.1); short protein forms P367H, P386H, P387H.
Identifiers: ClinVar variation 1735591 (VCV001735591.2), dbSNP rs2533852325, ClinGen allele CA365566744.

ClinVar aggregate classification (germline): Uncertain significance (1 of 4 stars; one submission).

Conditions:
Cardiovascular phenotype. Identifiers: MedGen CN230736.

Allele frequency attached by ClinVar (database versions not stated): gnomAD exomes below 0.00001.
gnomAD v4.1: 1 of 1,495,454 alleles (0.000067%); highest among the groups gnomAD compares: Non-Finnish European, 0.000089%; no homozygotes.

Submission:

Ambry Genetics
Classification: Uncertain significance for Cardiovascular phenotype. Last evaluated: 2022-05-09. Review status: criteria provided, single submitter. Criteria: Ambry Variant Classification Scheme 2023. Collection method: clinical testing. Allele origin: germline.
Comment: The p.P386H variant (also known as c.1157C>A), located in coding exon 15 of the TRDN gene, results from a C to A substitution at nucleotide position 1157. The proline at codon 386 is replaced by histidine, an amino acid with similar properties. This amino acid position is conserved. In addition, this alteration is predicted to be tolerated by in silico analysis. Since supporting evidence is limited at this time, the clinical significance of this alteration remains unclear.